The following is an entry in ClinVar:

NM_004369.4(COL6A3):c.9458G>T (p.Gly3153Val)

Genes: COL6A3 (collagen type VI alpha 3 chain; minus strand), LOC126806573 (CDK7 strongly-dependent group 2 enhancer GRCh37_chr2:238233151-238234350; plus strand). Cytogenetic location: 2q37.3.
Variant type: single nucleotide variant.
Coding change: c.9458G>T on transcript NM_004369.4 (MANE Select); coding-DNA position 9458, G replaced by T.
Protein change: p.Gly3153Val; replaces glycine 3153 with valine.
Molecular consequence: missense variant.
Genome position (GRCh38, 1-based): chr2:237,325,595, C>A on the plus strand (G>T on the coding strand, the complement: COL6A3 is on the minus strand). VCF-style: chr2-237325595-C-A. GRCh37 (hg19) VCF-style: chr2-238234238-C-A.
Other names: c.7637G>T, p.Gly2546Val (NM_057166.5); c.8840G>T, p.Gly2947Val (NM_057167.4); short protein forms G3153V, G2546V, G2947V.
Identifiers: ClinVar variation 450484 (VCV000450484.5), dbSNP rs1553541451, ClinGen allele CA351185396.

ClinVar aggregate classification (germline): Uncertain significance. Review status: criteria provided, multiple submitters, no conflicts (2 of 4 stars). 2 submissions from 2 submitters: Uncertain significance (2). Last evaluated 2024-01-28.

Conditions:
Bethlem myopathy 1A. Also called: MYOPATHY, BENIGN CONGENITAL, WITH CONTRACTURES; Bethlem myopathy 1; Bethlem Muscular Dystrophy. Identifiers: Orphanet 610, MedGen CN029274, MONDO:0024530, OMIM 158810.

Submissions (2):

Labcorp Genetics (formerly Invitae), Labcorp
Classification: Uncertain significance for Bethlem myopathy 1A. Last evaluated: 2024-01-28. Review status: criteria provided, single submitter. Criteria: Invitae Variant Classification Sherloc (09022015). Collection method: clinical testing. Allele origin: germline.
Comment: This sequence change replaces glycine, which is neutral and non-polar, with valine, which is neutral and non-polar, at codon 3153 of the COL6A3 protein (p.Gly3153Val). This variant is not present in population databases (gnomAD no frequency). This variant has not been reported in the literature in individuals affected with COL6A3-related conditions. ClinVar contains an entry for this variant (Variation ID: 450484). Advanced modeling of protein sequence and biophysical properties (such as structural, functional, and spatial information, amino acid conservation, physicochemical variation, residue mobility, and thermodynamic stability) performed at Invitae indicates that this missense variant is not expected to disrupt COL6A3 protein function with a negative predictive value of 95%. In summary, the available evidence is currently insufficient to determine the role of this variant in disease. Therefore, it has been classified as a Variant of Uncertain Significance.

GeneDx
Classification: Uncertain significance. Last evaluated: 2017-07-18. Review status: criteria provided, single submitter. Criteria: GeneDx Variant Classification (06012015). Collection method: clinical testing. Allele origin: germline. Affected: yes.
Comment: The G3153V variant has not been published as a pathogenic variant, nor has it been reported as a benign variant to our knowledge. The G3153V variant is not observed in large population cohorts (Lek et al., 2016; 1000 Genomes Consortium et al., 2015; Exome Variant Server). This variant is a conservative amino acid substitution, which is not likely to impact secondary protein structure as these residues share similar properties. This substitution occurs at a position that is not conserved, and in silico analysis predicts this variant likely does not alter the protein structure/function.